The following is an entry in ClinVar:

ClinVar aggregate classification (germline): Uncertain significance (1 of 4 stars; one submission).

gnomAD v4.1: 36 of 1,613,836 alleles (0.0022%); highest among the groups gnomAD compares: South Asian, 0.033%; no homozygotes.

Submission:

Women's Health and Genetics/Laboratory Corporation of America, LabCorp
Classification: Uncertain significance. Last evaluated: 2025-06-11. Review status: criteria provided, single submitter. Criteria: LabCorp Variant Classification Summary - May 2015. Collection method: clinical testing. Allele origin: germline.
Comment: Variant summary: FBXO7 c.1133G>A (p.Arg378His) results in a non-conservative amino acid change in the encoded protein sequence. Algorithms developed to predict the effect of missense changes on protein structure and function are either unavailable or do not agree on the potential impact of this missense change. The variant allele was found at a frequency of 3.2e-05 in 251400 control chromosomes (gnomAD). The available data on variant occurrences in the general population are insufficient to allow any conclusion about variant significance. To our knowledge, no occurrence of c.1133G>A in individuals affected with Parkinsonian-Pyramidal Syndrome and no experimental evidence demonstrating its impact on protein function have been reported. No submitters have cited clinical-significance assessments for this variant to ClinVar. Based on the evidence outlined above, the variant was classified as uncertain significance.

NM_012179.4(FBXO7):c.1133G>A (p.Arg378His)

Gene: FBXO7 (F-box protein 7; plus strand). Cytogenetic location: 22q12.3.
Variant type: single nucleotide variant.
Coding change: c.1133G>A on transcript NM_012179.4 (MANE Select); coding-DNA position 1133, G replaced by A.
Protein change: p.Arg378His; replaces arginine 378 with histidine.
Molecular consequence: missense variant.
Genome position (GRCh38, 1-based): chr22:32,493,270, G>A. VCF-style: chr22-32493270-G-A. GRCh37 (hg19) VCF-style: chr22-32889257-G-A.
Other names: c.896G>A, p.Arg299His (NM_001033024.2); c.791G>A, p.Arg264His (NM_001257990.2); short protein forms R264H, R299H, R378H.
Identifiers: ClinVar variation 3907199 (VCV003907199.1).